The following is an entry in ClinVar:

NM_002691.4(POLD1):c.310T>C (p.Tyr104His)

Gene: POLD1 (DNA polymerase delta 1, catalytic subunit; plus strand). Cytogenetic location: 19q13.33.
Variant type: single nucleotide variant.
Coding change: c.310T>C on transcript NM_002691.4 (MANE Select); coding-DNA position 310, T replaced by C.
Protein change: p.Tyr104His; replaces tyrosine 104 with histidine.
Molecular consequence: missense variant. On other transcripts: non-coding transcript variant (1).
Genome position (GRCh38, 1-based): chr19:50,399,478, T>C. VCF-style: chr19-50399478-T-C. GRCh37 (hg19) VCF-style: chr19-50902735-T-C.
Other names: c.310T>C, p.Tyr104His (NM_001256849.1, NM_001308632.1, NM_001438210.1 and 3 more transcripts); short protein forms Y104H.
Identifiers: ClinVar variation 4744724 (VCV004744724.1).
Genomic context (GRCh38, chr19:50,399,478, plus strand): 5'-CCACCAGCGCTGGACCCCCAGACAGAGCCCCTCATCTTCCAACAGTTGGAGATTGACCAT[T>C]ATGTGGGTGAGTTTAGGGGTTATGGGTGAGTGCTGGGGCCCTGCGCTCCTGGGGCAGAGG-3'
Protein context (NP_002682.2, residues 94-114): LIFQQLEIDH[Tyr104His]VGPAQPVPGG

ClinVar aggregate classification (germline): Uncertain significance (1 of 4 stars; one submission).

Conditions:
POLD1-related polyposis and colorectal cancer syndrome (CRCS10). Also called: COLORECTAL CANCER, SUSCEPTIBILITY TO, ON CHROMOSOME 19q; Colorectal cancer 10; Colorectal cancer, susceptibility to, 10. Identifiers: Orphanet 220460, MedGen C2675481, MONDO:0012953, OMIM 612591.

Submission:

Labcorp Genetics (formerly Invitae), Labcorp
Classification: Uncertain significance for POLD1-related polyposis and colorectal cancer syndrome. Last evaluated: 2025-06-23. Review status: criteria provided, single submitter. Criteria: Invitae Variant Classification Sherloc (09022015). Collection method: clinical testing. Allele origin: germline.
Comment: This sequence change replaces tyrosine, which is neutral and polar, with histidine, which is basic and polar, at codon 104 of the POLD1 protein (p.Tyr104His). This variant is not present in population databases (gnomAD no frequency). This variant has not been reported in the literature in individuals affected with POLD1-related conditions. Invitae Evidence Modeling of protein sequence and biophysical properties (such as structural, functional, and spatial information, amino acid conservation, physicochemical variation, residue mobility, and thermodynamic stability) indicates that this missense variant is not expected to disrupt POLD1 protein function with a negative predictive value of 80%. In summary, the available evidence is currently insufficient to determine the role of this variant in disease. Therefore, it has been classified as a Variant of Uncertain Significance.